The following is an entry in ClinVar:

NM_001846.4(COL4A2):c.3028A>G (p.Ile1010Val)

Gene: COL4A2 (collagen type IV alpha 2 chain; plus strand). Cytogenetic location: 13q34.
Variant type: single nucleotide variant.
Coding change: c.3028A>G on transcript NM_001846.4 (MANE Select); coding-DNA position 3028, A replaced by G.
Protein change: p.Ile1010Val; replaces isoleucine 1010 with valine.
Molecular consequence: missense variant.
Genome position (GRCh38, 1-based): chr13:110,485,657, A>G. VCF-style: chr13-110485657-A-G. GRCh37 (hg19) VCF-style: chr13-111138004-A-G.
Other names: short protein forms I1010V.
Identifiers: ClinVar variation 2876832 (VCV002876832.4), dbSNP rs780886978, ClinGen allele CA256282987.

ClinVar aggregate classification (germline): Uncertain significance. Review status: criteria provided, multiple submitters, no conflicts (2 of 4 stars). 2 submissions from 2 submitters: Uncertain significance (2). Last evaluated 2026-04-27.

Allele frequency attached by ClinVar (database versions not stated): gnomAD 0.00001; gnomAD exomes 0.00001; TOPMed 0.00001.
gnomAD v4.1: 9 of 1,597,826 alleles (0.00056%); highest among the groups gnomAD compares: Non-Finnish European, 0.00077%; no homozygotes.

Submissions (2):

Women's Health and Genetics/Laboratory Corporation of America, LabCorp
Classification: Uncertain significance. Last evaluated: 2026-04-27. Review status: criteria provided, single submitter. Criteria: LabCorp Variant Classification Summary - May 2015. Collection method: clinical testing. Allele origin: germline.
Comment: Variant summary: COL4A2 c.3028A>G (p.Ile1010Val) results in a conservative amino acid change in the encoded protein sequence. Algorithms developed to predict the effect of missense changes on protein structure and function all suggest that this variant is likely to be tolerated. Consensus agreement among computation tools predict no significant impact on normal splicing. However, these predictions have yet to be confirmed by functional studies. The variant was absent in 235642 control chromosomes. The available data on variant occurrences in the general population are insufficient to allow any conclusion about variant significance. To our knowledge, no occurrence of c.3028A>G in individuals affected with COL4A2-related conditions and no experimental evidence demonstrating its impact on protein function have been reported. ClinVar contains an entry for this variant (Variation ID: 2876832). Based on the evidence outlined above, the variant was classified as uncertain significance.

Labcorp Genetics (formerly Invitae), Labcorp
Classification: Uncertain significance. Last evaluated: 2025-03-17. Review status: criteria provided, single submitter. Criteria: Invitae Variant Classification Sherloc (09022015). Collection method: clinical testing. Allele origin: germline.
Comment: This sequence change replaces isoleucine, which is neutral and non-polar, with valine, which is neutral and non-polar, at codon 1010 of the COL4A2 protein (p.Ile1010Val). This variant is not present in population databases (gnomAD no frequency). This variant has not been reported in the literature in individuals affected with COL4A2-related conditions. ClinVar contains an entry for this variant (Variation ID: 2876832). An algorithm developed to predict the effect of missense changes on protein structure and function outputs the following: PolyPhen-2: "Benign". The valine amino acid residue is found in multiple mammalian species, which suggests that this missense change does not adversely affect protein function. In summary, the available evidence is currently insufficient to determine the role of this variant in disease. Therefore, it has been classified as a Variant of Uncertain Significance.